The following is an entry in ClinVar:

NM_001081.4(CUBN):c.2677A>G (p.Thr893Ala)

Gene: CUBN (cubilin; minus strand). Cytogenetic location: 10p13.
Variant type: single nucleotide variant.
Coding change: c.2677A>G on transcript NM_001081.4 (MANE Select); coding-DNA position 2677, A replaced by G.
Protein change: p.Thr893Ala; replaces threonine 893 with alanine.
Molecular consequence: missense variant.
Genome position (GRCh38, 1-based): chr10:17,068,719, T>C on the plus strand (A>G on the coding strand, the complement: CUBN is on the minus strand). VCF-style: chr10-17068719-T-C. GRCh37 (hg19) VCF-style: chr10-17110718-T-C.
Other names: c.2677A>G (NM_001081.3); short protein forms T893A.
Identifiers: ClinVar variation 1170341 (VCV001170341.12), dbSNP rs188342700, ClinGen allele CA5424898.

ClinVar aggregate classification (germline): Benign/Likely benign. Review status: criteria provided, multiple submitters, no conflicts (2 of 4 stars). 3 submissions from 3 submitters: Benign (1); Likely benign (1). 1 of the submissions does not count toward it. Last evaluated 2026-01-05.

Conditions:
Imerslund-Grasbeck syndrome. Also called: Imerslund-Gräsbeck syndrome; PERNICIOUS ANEMIA, JUVENILE, DUE TO SELECTIVE INTESTINAL MALABSORPTION OF VITAMIN B12, WITH PROTEINURIA; ENTEROCYTE COBALAMIN MALABSORPTION; ENTEROCYTE INTRINSIC FACTOR RECEPTOR, DEFECT OF; Megaloblastic anemia due to inborn errors of metabolism. Identifiers: Orphanet 35858, MedGen C4551825, MONDO:0009853.
CUBN-related disorder. Also called: CUBN-related condition.

Allele frequency attached by ClinVar (database versions not stated): 1000 Genomes Project 0.00040; 1000 Genomes Project 30x 0.00047; TOPMed 0.00095; gnomAD 0.00100 and 0.00104.
gnomAD v4.1: 290 of 1,612,584 alleles (0.018%); highest among the groups gnomAD compares: Admixed American, 0.47%; 4 homozygotes.

Submissions (3):

Labcorp Genetics (formerly Invitae), Labcorp
Classification: Benign for Imerslund-Grasbeck syndrome. Last evaluated: 2026-01-05. Review status: criteria provided, single submitter. Criteria: Invitae Variant Classification Sherloc (09022015). Collection method: clinical testing. Allele origin: germline.

Breakthrough Genomics
Classification: Likely benign. Review status: criteria provided, single submitter. Criteria: ACMG Guidelines, 2015. Collection method: not provided. Allele origin: germline. Inheritance: Autosomal recessive inheritance. Affected: yes.

PreventionGenetics, part of Exact Sciences
Classification: Likely benign for CUBN-related condition. Last evaluated: 2022-12-18. Review status: no assertion criteria provided. Collection method: clinical testing. Allele origin: germline. Not counted in ClinVar's aggregate classification.
Comment: This variant is classified as likely benign based on ACMG/AMP sequence variant interpretation guidelines (Richards et al. 2015 PMID: 25741868, with internal and published modifications).